The following is an entry in ClinVar:

NM_004304.5(ALK):c.3796G>A (p.Ala1266Thr)

Gene: ALK (ALK receptor tyrosine kinase; minus strand). Cytogenetic location: 2p23.2.
Variant type: single nucleotide variant.
Coding change: c.3796G>A on transcript NM_004304.5 (MANE Select); coding-DNA position 3796, G replaced by A.
Protein change: p.Ala1266Thr; replaces alanine 1266 with threonine.
Molecular consequence: missense variant.
Genome position (GRCh38, 1-based): chr2:29,209,826, C>T on the plus strand (G>A on the coding strand, the complement: ALK is on the minus strand). VCF-style: chr2-29209826-C-T. GRCh37 (hg19) VCF-style: chr2-29432692-C-T.
Other names: c.592G>A, p.Ala198Thr (NM_001353765.2); short protein forms A1266T, A198T.
Identifiers: ClinVar variation 4680685 (VCV004680685.1).

ClinVar aggregate classification (germline): Uncertain significance (1 of 4 stars; one submission).

Conditions:
Hereditary cancer-predisposing syndrome. Also called: Neoplastic Syndromes, Hereditary; Tumor predisposition; Hereditary Cancer Syndrome; Hereditary neoplastic syndrome. Identifiers: Orphanet 140162, MedGen C0027672, MeSH D009386, MONDO:0015356.

Submission:

Ambry Genetics
Classification: Uncertain significance for Hereditary cancer-predisposing syndrome. Last evaluated: 2025-11-23. Review status: criteria provided, single submitter. Criteria: Ambry Variant Classification Scheme 2023. Collection method: clinical testing. Allele origin: germline.
Comment: The p.A1266T variant (also known as c.3796G>A), located in coding exon 25 of the ALK gene, results from a G to A substitution at nucleotide position 3796. The alanine at codon 1266 is replaced by threonine, an amino acid with similar properties. This amino acid position is conserved. In addition, this alteration is predicted to be deleterious by in silico analysis. Based on the available evidence, the clinical significance of this variant remains unclear.